The following is an entry in ClinVar:

NM_004958.4(MTOR):c.3298A>G (p.Ile1100Val)

Gene: MTOR (mechanistic target of rapamycin kinase; minus strand). Cytogenetic location: 1p36.22.
Variant type: single nucleotide variant.
Coding change: c.3298A>G on transcript NM_004958.4 (MANE Select); coding-DNA position 3298, A replaced by G.
Protein change: p.Ile1100Val; replaces isoleucine 1100 with valine.
Molecular consequence: missense variant.
Genome position (GRCh38, 1-based): chr1:11,212,896, T>C on the plus strand (A>G on the coding strand, the complement: MTOR is on the minus strand). VCF-style: chr1-11212896-T-C. GRCh37 (hg19) VCF-style: chr1-11272953-T-C.
Other names: c.3298A>G, p.Ile1100Val (NM_001386500.1); c.2050A>G, p.Ile684Val (NM_001386501.1); short protein forms I684V, I1100V.
Identifiers: ClinVar variation 2190482 (VCV002190482.5), dbSNP rs141507044, ClinGen allele CA590245.

ClinVar aggregate classification (germline): Uncertain significance. Review status: criteria provided, multiple submitters, no conflicts (2 of 4 stars). 2 submissions from 2 submitters: Uncertain significance (2). Last evaluated 2025-03-29.

Conditions:
Seizure. Also called: Seizures. Identifiers: MedGen C0036572, HP:0001250.

Allele frequency attached by ClinVar (database versions not stated): gnomAD exomes 0.00001; ExAC 0.00003; TOPMed 0.00003; gnomAD 0.00004; ESP Exome Variant Server 0.00008.

Submissions (2):

Labcorp Genetics (formerly Invitae), Labcorp
Classification: Uncertain significance. Last evaluated: 2025-03-29. Review status: criteria provided, single submitter. Criteria: Invitae Variant Classification Sherloc (09022015). Collection method: clinical testing. Allele origin: germline.
Comment: This sequence change replaces isoleucine, which is neutral and non-polar, with valine, which is neutral and non-polar, at codon 1100 of the MTOR protein (p.Ile1100Val). This variant is present in population databases (rs141507044, gnomAD 0.02%). This variant has not been reported in the literature in individuals affected with MTOR-related conditions. ClinVar contains an entry for this variant (Variation ID: 2190482). Invitae Evidence Modeling of protein sequence and biophysical properties (such as structural, functional, and spatial information, amino acid conservation, physicochemical variation, residue mobility, and thermodynamic stability) indicates that this missense variant is not expected to disrupt MTOR protein function with a negative predictive value of 95%. In summary, the available evidence is currently insufficient to determine the role of this variant in disease. Therefore, it has been classified as a Variant of Uncertain Significance.

Clinical Genetics Laboratory, Skane University Hospital Lund
Classification: Uncertain significance for Seizure. Last evaluated: 2024-08-16. Review status: criteria provided, single submitter. Criteria: ACMG Guidelines, 2015. Collection method: clinical testing. Allele origin: de novo. Affected: yes.
Comment: PS2, BS2